The following is an entry in ClinVar:

ClinVar aggregate classification (germline): Conflicting classifications of pathogenicity. Review status: criteria provided, conflicting classifications (1 of 4 stars). 2 submissions from 2 submitters: Uncertain significance (1); Likely benign (1). Last evaluated 2025-01-17.

Conditions:
Hereditary cancer-predisposing syndrome. Also called: Neoplastic Syndromes, Hereditary; Tumor predisposition; Hereditary Cancer Syndrome; Hereditary neoplastic syndrome. Identifiers: Orphanet 140162, MedGen C0027672, MeSH D009386, MONDO:0015356.

gnomAD v4.1: 2 of 1,614,074 alleles (0.00012%); highest among the groups gnomAD compares: Non-Finnish European, 0.000085%; no homozygotes.

Submissions (2):

Ambry Genetics
Classification: Uncertain significance for Hereditary cancer-predisposing syndrome. Last evaluated: 2025-01-17. Review status: criteria provided, single submitter. Criteria: Ambry Variant Classification Scheme 2023. Collection method: clinical testing. Allele origin: germline.
Comment: The p.M669L variant (also known as c.2005A>C), located in coding exon 9 of the BRCA1 gene, results from an A to C substitution at nucleotide position 2005. The methionine at codon 669 is replaced by leucine, an amino acid with highly similar properties. This amino acid position is conserved. In addition, this alteration is predicted to be tolerated by in silico analysis. Since supporting evidence is limited at this time, the clinical significance of this alteration remains unclear.

University of Washington Department of Laboratory Medicine, University of Washington
Classification: Likely benign for Hereditary cancer-predisposing syndrome. Last evaluated: 2023-03-23. Review status: criteria provided, single submitter. Criteria: Dines et al. (Genet Med. 2020). Collection method: curation. Allele origin: germline.
Comment: Missense variant in a coldspot region where missense variants are very unlikely to be pathogenic (PMID:31911673).

BRCA1 coldspot (exon 11 using historical exon numbering). Reclassification based on statistical prior probability

NM_007294.4(BRCA1):c.2005A>C (p.Met669Leu)

Gene: BRCA1 (BRCA1 DNA repair associated; minus strand). Cytogenetic location: 17q21.31.
Variant type: single nucleotide variant.
Coding change: c.2005A>C on transcript NM_007294.4 (MANE Select); coding-DNA position 2005, A replaced by C.
Protein change: p.Met669Leu; replaces methionine 669 with leucine.
Molecular consequence: missense variant. On other transcripts: intron variant (137).
Genome position (GRCh38, 1-based): chr17:43,093,526, T>G on the plus strand (A>C on the coding strand, the complement: BRCA1 is on the minus strand). VCF-style: chr17-43093526-T-G. GRCh37 (hg19) VCF-style: chr17-41245543-T-G.
Other names: c.1792A>C, p.Met598Leu (NM_001407571.1, NM_001407853.1, NM_001407894.1 and 9 more transcripts); c.2005A>C, p.Met669Leu (NM_001407581.1, NM_001407582.1, NM_001407583.1 and 30 more transcripts); c.2002A>C, p.Met668Leu (NM_001407587.1, NM_001407590.1, NM_001407591.1 and 22 more transcripts); c.1996A>C, p.Met666Leu (NM_001407646.1, NM_001407647.1); c.1882A>C, p.Met628Leu (NM_001407648.1, NM_001407664.1, NM_001407665.1 and 19 more transcripts); c.1879A>C, p.Met627Leu (NM_001407649.1, NM_001407670.1, NM_001407671.1 and 11 more transcripts); c.1927A>C, p.Met643Leu (NM_001407653.1, NM_001407654.1, NM_001407655.1 and 4 more transcripts); c.1924A>C, p.Met642Leu (NM_001407659.1, NM_001407660.1, NM_001407661.1 and 1 more transcripts); and 40 more; short protein forms M557L, M580L, M601L, M622L, M642L, M668L, M669L, M541L.
Identifiers: ClinVar variation 1784306 (VCV001784306.5), dbSNP rs561988641, ClinGen allele CA10598003.